The following is an entry in ClinVar:

NM_015378.4(VPS13D):c.1069T>C (p.Phe357Leu)

Gene: VPS13D (vacuolar protein sorting 13 homolog D; plus strand). Cytogenetic location: 1p36.22.
Variant type: single nucleotide variant.
Coding change: c.1069T>C on transcript NM_015378.4 (MANE Select); coding-DNA position 1069, T replaced by C.
Protein change: p.Phe357Leu; replaces phenylalanine 357 with leucine.
Molecular consequence: missense variant.
Genome position (GRCh38, 1-based): chr1:12,258,062, T>C. VCF-style: chr1-12258062-T-C. GRCh37 (hg19) VCF-style: chr1-12318119-T-C.
Other names: p.Phe357Leu; c.1069T>C, p.Phe357Leu (NM_018156.4); c.1069T>C (NM_015378.2); short protein forms F357L.
Identifiers: ClinVar variation 3380821 (VCV003380821.2).
Genomic context (GRCh38, chr1:12,258,062, plus strand): 5'-TGCACCTGGGACTTTATGTTGCACCGCGCTCGTGATGCTGTATCTTACACTGACAAATAT[T>C]TCAACAAGTTAAAAGGAGGCCTGCTGTCCACAGATGACAAGGTAAGTGGACTGTGGTCTT-3'
Protein context (NP_056193.2, residues 347-367): RDAVSYTDKY[Phe357Leu]NKLKGGLLST

ClinVar aggregate classification (germline): Uncertain significance. Review status: criteria provided, multiple submitters, no conflicts (2 of 4 stars). 2 submissions from 2 submitters: Uncertain significance (2). Last evaluated 2025-03-15.

Conditions:
Inborn genetic diseases. Identifiers: MedGen C0950123, MeSH D030342.

gnomAD v4.1: 61 of 1,614,088 alleles (0.0038%); highest among the groups gnomAD compares: Non-Finnish European, 0.005%; no homozygotes.

Submissions (2):

Ambry Genetics
Classification: Uncertain significance for Inborn genetic diseases. Last evaluated: 2025-03-15. Review status: criteria provided, single submitter. Criteria: Ambry Variant Classification Scheme 2023. Collection method: clinical testing. Allele origin: germline.

Mayo Clinic Laboratories, Mayo Clinic
Classification: Uncertain significance. Last evaluated: 2024-04-02. Review status: criteria provided, single submitter. Criteria: ACMG Guidelines, 2015. Collection method: clinical testing. Allele origin: germline. Observed: 1 variant allele.
Comment: BP4